The following is an entry in ClinVar:

ClinVar aggregate classification (germline): Benign/Likely benign. Review status: criteria provided, multiple submitters, no conflicts (2 of 4 stars). 7 submissions from 7 submitters: Benign (1); Likely benign (6). Last evaluated 2026-08-01.

Conditions:
Hereditary cancer-predisposing syndrome. Also called: Hereditary neoplastic syndrome; Tumor predisposition; Neoplastic Syndromes, Hereditary; Hereditary Cancer Syndrome. Identifiers: Orphanet 140162, MedGen C0027672, MeSH D009386, MONDO:0015356.
Familial cancer of breast. Also called: hereditary breast carcinoma; Hereditary breast cancer; BREAST CANCER, FAMILIAL. Identifiers: Orphanet 227535, MedGen C0346153, MONDO:0016419, OMIM 114480. Disease mechanism: loss of function.

Allele frequency attached by ClinVar (database versions not stated): gnomAD 0.00001; TOPMed 0.00001.
gnomAD v4.1: 3 of 1,613,730 alleles (0.00019%); highest among the groups gnomAD compares: East Asian, 0.0022%; no homozygotes.

Submissions (7):

CeGaT Center for Human Genetics Tuebingen
Classification: Likely benign. Last evaluated: 2026-08-01. Review status: criteria provided, single submitter. Criteria: CeGaT Center For Human Genetics Tuebingen Variant Classification Criteria Version 2. Collection method: clinical testing. Allele origin: germline. Affected: yes. Observed: 1 variant allele.
Comment: BARD1: BP4, BP7

Labcorp Genetics (formerly Invitae), Labcorp
Classification: Likely benign for Familial cancer of breast. Last evaluated: 2025-08-29. Review status: criteria provided, single submitter. Criteria: Invitae Variant Classification Sherloc (09022015). Collection method: clinical testing. Allele origin: germline.

Myriad Genetics, Inc.
Classification: Benign for Familial cancer of breast. Last evaluated: 2024-07-26. Review status: criteria provided, single submitter. Criteria: Myriad Autosomal Dominant, Autosomal Recessive and X-Linked Classification Criteria (2023). Collection method: clinical testing. Allele origin: unknown.
Comment: This variant is considered benign. This variant is a silent/synonymous amino acid change and it is not expected to impact splicing.

Women's Health and Genetics/Laboratory Corporation of America, LabCorp
Classification: Likely benign. Last evaluated: 2023-06-22. Review status: criteria provided, single submitter. Criteria: LabCorp Variant Classification Summary - May 2015. Collection method: clinical testing. Allele origin: germline.

Sema4
Classification: Likely benign for Hereditary cancer-predisposing syndrome. Last evaluated: 2021-07-01. Review status: criteria provided, single submitter. Criteria: Sema4 Curation Guidelines. Collection method: curation. Allele origin: germline.

Color Diagnostics, LLC DBA Color Health
Classification: Likely benign for Hereditary cancer-predisposing syndrome. Last evaluated: 2017-07-26. Review status: criteria provided, single submitter. Criteria: ACMG Guidelines, 2015. Collection method: clinical testing. Allele origin: germline.

Ambry Genetics
Classification: Likely benign for Hereditary cancer-predisposing syndrome. Last evaluated: 2016-09-02. Review status: criteria provided, single submitter. Criteria: Ambry Variant Classification Scheme 2023. Collection method: clinical testing. Allele origin: germline.

NM_000465.4(BARD1):c.1626A>G (p.Leu542=)

Gene: BARD1 (BRCA1 associated RING domain 1; minus strand). Cytogenetic location: 2q35.
Variant type: single nucleotide variant.
Coding change: c.1626A>G on transcript NM_000465.4 (MANE Select); coding-DNA position 1626, A replaced by G.
Protein change: p.Leu542=; no amino-acid change (leucine 542 retained).
Molecular consequence: synonymous variant. On other transcripts: non-coding transcript variant (3), intron variant (1).
Genome position (GRCh38, 1-based): chr2:214,752,498, T>C on the plus strand (A>G on the coding strand, the complement: BARD1 is on the minus strand). VCF-style: chr2-214752498-T-C. GRCh37 (hg19) VCF-style: chr2-215617222-T-C.
Other names: c.1569A>G, p.Leu523= (NM_001282543.2); c.273A>G, p.Leu91= (NM_001282545.2); c.216A>G, p.Leu72= (NM_001282548.2); c.365-21990A>G (NM_001282549.2).
Identifiers: ClinVar variation 184584 (VCV000184584.21), dbSNP rs786201551, ClinGen allele CA189369.
Genomic context (GRCh38, chr2:214,752,498, plus strand): 5'-CATACTTACTACTGAGCAGTGGCTAGCTGAGGATGATTCATTCTTCTCTGGTAGCAGCAA[T>C]AGCGATTTCATACTTTCATCATCTGTATAATCGACAGGCCGCAGACCAAATATATTACTG-3'
Protein context (NP_000456.2, residues 532-552): DYTDDESMKS[Leu542=]LLLPEKNESS